The following is an entry in ClinVar:

NM_005245.4(FAT1):c.9244T>C (p.Ser3082Pro)

Gene: FAT1 (FAT atypical cadherin 1; minus strand). Cytogenetic location: 4q35.2.
Variant type: single nucleotide variant.
Coding change: c.9244T>C on transcript NM_005245.4 (MANE Select); coding-DNA position 9244, T replaced by C.
Protein change: p.Ser3082Pro; replaces serine 3082 with proline.
Molecular consequence: missense variant.
Genome position (GRCh38, 1-based): chr4:186,613,328, A>G on the plus strand (T>C on the coding strand, the complement: FAT1 is on the minus strand). VCF-style: chr4-186613328-A-G. GRCh37 (hg19) VCF-style: chr4-187534482-A-G.
Other names: short protein forms S3082P.
Identifiers: ClinVar variation 3686882 (VCV003686882.1).

ClinVar aggregate classification (germline): Uncertain significance (1 of 4 stars; one submission).

gnomAD v4.1: 1 of 1,613,918 alleles (0.000062%); highest among the groups gnomAD compares: Non-Finnish European, 0.000085%; no homozygotes.

Submission:

Labcorp Genetics (formerly Invitae), Labcorp
Classification: Uncertain significance. Last evaluated: 2024-12-07. Review status: criteria provided, single submitter. Criteria: Invitae Variant Classification Sherloc (09022015). Collection method: clinical testing. Allele origin: germline.
Comment: This sequence change replaces serine, which is neutral and polar, with proline, which is neutral and non-polar, at codon 3082 of the FAT1 protein (p.Ser3082Pro). This variant is not present in population databases (gnomAD no frequency). This variant has not been reported in the literature in individuals affected with FAT1-related conditions. An algorithm developed to predict the effect of missense changes on protein structure and function (PolyPhen-2) suggests that this variant¬†is likely to be tolerated. In summary, the available evidence is currently insufficient to determine the role of this variant in disease. Therefore, it has been classified as a Variant of Uncertain Significance.